The following is an entry in ClinVar:

NM_003361.4(UMOD):c.1141G>A (p.Val381Met)

Gene: UMOD (uromodulin; minus strand). Cytogenetic location: 16p12.3.
Variant type: single nucleotide variant.
Coding change: c.1141G>A on transcript NM_003361.4 (MANE Select); coding-DNA position 1141, G replaced by A.
Protein change: p.Val381Met; replaces valine 381 with methionine.
Molecular consequence: missense variant. On other transcripts: non-coding transcript variant (1).
Genome position (GRCh38, 1-based): chr16:20,346,167, C>T on the plus strand (G>A on the coding strand, the complement: UMOD is on the minus strand). VCF-style: chr16-20346167-C-T. GRCh37 (hg19) VCF-style: chr16-20357489-C-T.
Other names: c.1141G>A, p.Val381Met (NM_001008389.3, NM_001378232.1, NM_001378233.1 and 3 more transcripts); c.1240G>A, p.Val414Met (NM_001278614.2); short protein forms V381M, V414M.
Identifiers: ClinVar variation 4740459 (VCV004740459.1).

ClinVar aggregate classification (germline): Uncertain significance (1 of 4 stars; one submission).

Submission:

Labcorp Genetics (formerly Invitae), Labcorp
Classification: Uncertain significance. Last evaluated: 2025-07-01. Review status: criteria provided, single submitter. Criteria: Invitae Variant Classification Sherloc (09022015). Collection method: clinical testing. Allele origin: germline.
Comment: This sequence change replaces valine, which is neutral and non-polar, with methionine, which is neutral and non-polar, at codon 381 of the UMOD protein (p.Val381Met). This variant is not present in population databases (gnomAD no frequency). This variant has not been reported in the literature in individuals affected with UMOD-related conditions. Invitae Evidence Modeling of protein sequence and biophysical properties (such as structural, functional, and spatial information, amino acid conservation, physicochemical variation, residue mobility, and thermodynamic stability) indicates that this missense variant is not expected to disrupt UMOD protein function with a negative predictive value of 80%. In summary, the available evidence is currently insufficient to determine the role of this variant in disease. Therefore, it has been classified as a Variant of Uncertain Significance.